The following is an entry in ClinVar:

ClinVar aggregate classification (germline): Uncertain significance (1 of 4 stars; one submission).

Conditions:
Brugada syndrome. Also called: Sudden Unexplained Death Syndrome; Sudden Unexplained Nocturnal Death Syndrome (SUNDS); Sudden unexpected nocturnal death syndrome; Sudden unexplained nocturnal death syndrome. Identifiers: Orphanet 130, MedGen C1142166, MONDO:0015263.

Submission:

Labcorp Genetics (formerly Invitae), Labcorp
Classification: Uncertain significance for Brugada syndrome. Last evaluated: 2024-04-29. Review status: criteria provided, single submitter. Criteria: Invitae Variant Classification Sherloc (09022015). Collection method: clinical testing. Allele origin: germline.
Comment: This variant, c.261_262insCTT, results in the insertion of 1 amino acid(s) of the GPD1L protein (p.Asp87_Ala88insLeu), but otherwise preserves the integrity of the reading frame. This variant is not present in population databases (gnomAD no frequency). This variant has not been reported in the literature in individuals affected with GPD1L-related conditions. ClinVar contains an entry for this variant (Variation ID: 1975621). Experimental studies and prediction algorithms are not available or were not evaluated, and the functional significance of this variant is currently unknown. In summary, the available evidence is currently insufficient to determine the role of this variant in disease. Therefore, it has been classified as a Variant of Uncertain Significance.

NM_015141.4(GPD1L):c.261_262insCTT (p.Asp87_Ala88insLeu)

Gene: GPD1L (glycerol-3-phosphate dehydrogenase 1 like; plus strand). Cytogenetic location: 3p22.3.
Variant type: Insertion.
Coding change: c.261_262insCTT on transcript NM_015141.4 (MANE Select); coding-DNA positions 261 to 262, CTT inserted.
Protein change: p.Asp87_Ala88insLeu.
Molecular consequence: inframe insertion.
Genome position: GRCh38 VCF-style: chr3-32138621-A-ATCT. GRCh37 (hg19) VCF-style: chr3-32180113-A-ATCT.
Identifiers: ClinVar variation 1975621 (VCV001975621.5), dbSNP rs1700699267, ClinGen allele CA1355573255.